The following is an entry in ClinVar:

NM_001379403.1(WDR26):c.1586T>C (p.Leu529Pro)

Gene: WDR26 (WD repeat domain 26; minus strand). Cytogenetic location: 1q42.12.
Variant type: single nucleotide variant.
Coding change: c.1586T>C on transcript NM_001379403.1 (MANE Select); coding-DNA position 1586, T replaced by C.
Protein change: p.Leu529Pro; replaces leucine 529 with proline.
Molecular consequence: missense variant.
Genome position (GRCh38, 1-based): chr1:224,404,443, A>G on the plus strand (T>C on the coding strand, the complement: WDR26 is on the minus strand). VCF-style: chr1-224404443-A-G. GRCh37 (hg19) VCF-style: chr1-224592145-A-G.
Other names: c.1238T>C, p.Leu413Pro (NM_001115113.3); c.1286T>C, p.Leu429Pro (NM_025160.7); short protein forms L413P, L429P, L529P.
Identifiers: ClinVar variation 2662363 (VCV002662363.1), dbSNP rs2464697236, ClinGen allele CA344748615.

ClinVar aggregate classification (germline): Uncertain significance (1 of 4 stars; one submission).

Submission:

GeneDx
Classification: Uncertain significance. Last evaluated: 2023-05-18. Review status: criteria provided, single submitter. Criteria: GeneDx Variant Classification Process June 2021. Collection method: clinical testing. Allele origin: germline. Affected: yes.
Comment: Not observed at significant frequency in large population cohorts (gnomAD); In silico analysis supports that this missense variant has a deleterious effect on protein structure/function; Has not been previously published as pathogenic or benign to our knowledge